The following is an entry in ClinVar:

NM_144670.6(A2ML1):c.3849A>G (p.Arg1283=)

Gene: A2ML1 (alpha-2-macroglobulin like 1; plus strand). Cytogenetic location: 12p13.31.
Variant type: single nucleotide variant.
Coding change: c.3849A>G on transcript NM_144670.6 (MANE Select); coding-DNA position 3849, A replaced by G.
Protein change: p.Arg1283=; no amino-acid change (arginine 1283 retained).
Molecular consequence: synonymous variant.
Genome position (GRCh38, 1-based): chr12:8,867,973, A>G. VCF-style: chr12-8867973-A-G. GRCh37 (hg19) VCF-style: chr12-9020569-A-G.
Other names: c.2376A>G, p.Arg792= (NM_001282424.3).
Identifiers: ClinVar variation 3704253 (VCV003704253.2).
Genomic context (GRCh38, chr12:8,867,973, plus strand): 5'-CCTGGTTGTAAAATCCACTGAGAATTTCCAGCGCACATTCAACATACAGTCAGTTAACAG[A>G]TTGGTATTTCAGCAGGATACCCTGCCCAATGTCCCTGGAATGTACACGTTGGAGGCCTCA-3'
Protein context (NP_653271.3, residues 1273-1293): QRTFNIQSVN[Arg1283=]LVFQQDTLPN

ClinVar aggregate classification (germline): Uncertain significance (1 of 4 stars; one submission).

gnomAD v4.1: 5 of 1,614,208 alleles (0.00031%); highest among the groups gnomAD compares: African/African-American, 0.0067%; no homozygotes.

Submission:

Labcorp Genetics (formerly Invitae), Labcorp
Classification: Uncertain significance. Last evaluated: 2024-12-12. Review status: criteria provided, single submitter. Criteria: Invitae Variant Classification Sherloc (09022015). Collection method: clinical testing. Allele origin: germline.
Comment: This sequence change affects codon 1283 of the A2ML1 mRNA. It is a 'silent' change, meaning that it does not change the encoded amino acid sequence of the A2ML1 protein. This variant is present in population databases (rs751569588, gnomAD 0.007%). This variant has not been reported in the literature in individuals affected with A2ML1-related conditions. Algorithms developed to predict the effect of sequence changes on RNA splicing suggest that this variant may disrupt the consensus splice site. In summary, the available evidence is currently insufficient to determine the role of this variant in disease. Therefore, it has been classified as a Variant of Uncertain Significance.